The following is an entry in ClinVar:

NM_198576.4(AGRN):c.245G>A (p.Arg82Gln)

Genes: AGRN (agrin; plus strand), LOC126805576 (P300/CBP strongly-dependent group 1 enhancer GRCh37_chr1:956772-957971; plus strand). Cytogenetic location: 1p36.33.
Variant type: single nucleotide variant.
Coding change: c.245G>A on transcript NM_198576.4 (MANE Select); coding-DNA position 245, G replaced by A.
Protein change: p.Arg82Gln; replaces arginine 82 with glutamine.
Molecular consequence: missense variant.
Genome position (GRCh38, 1-based): chr1:1,022,244, G>A. VCF-style: chr1-1022244-G-A. GRCh37 (hg19) VCF-style: chr1-957624-G-A.
Other names: c.245G>A, p.Arg82Gln (NM_001305275.2); short protein forms R82Q.
Identifiers: ClinVar variation 1508290 (VCV001508290.6), dbSNP rs368144442, ClinGen allele CA507786.

ClinVar aggregate classification (germline): Uncertain significance (1 of 4 stars; one submission).

Conditions:
Congenital myasthenic syndrome 8. Also called: Myasthenic syndrome, congenital, 8, with pre- and postsynaptic defects; MYASTHENIC SYNDROME, CONGENITAL, DUE TO AGRIN DEFICIENCY. Identifiers: Orphanet 590, MedGen C3808739, MONDO:0014052, OMIM 615120.

Allele frequency attached by ClinVar (database versions not stated): gnomAD exomes 0.00004; TOPMed 0.00009; gnomAD 0.00007 and 0.00009; ExAC 0.00004; ESP Exome Variant Server 0.00023.

Submission:

Labcorp Genetics (formerly Invitae), Labcorp
Classification: Uncertain significance for Congenital myasthenic syndrome 8. Last evaluated: 2025-10-22. Review status: criteria provided, single submitter. Criteria: Invitae Variant Classification Sherloc (09022015). Collection method: clinical testing. Allele origin: germline.
Comment: This sequence change replaces arginine, which is basic and polar, with glutamine, which is neutral and polar, at codon 82 of the AGRN protein (p.Arg82Gln). This variant is present in population databases (rs368144442, gnomAD 0.05%). This variant has not been reported in the literature in individuals affected with AGRN-related conditions. ClinVar contains an entry for this variant (Variation ID: 1508290). An algorithm developed to predict the effect of missense changes on protein structure and function outputs the following: PolyPhen-2: "Possibly Damaging". The glutamine amino acid residue is found in multiple mammalian species, which suggests that this missense change does not adversely affect protein function. In summary, the available evidence is currently insufficient to determine the role of this variant in disease. Therefore, it has been classified as a Variant of Uncertain Significance.